The following is an entry in ClinVar:

ClinVar aggregate classification (germline): Uncertain significance. Review status: criteria provided, multiple submitters, no conflicts (2 of 4 stars). 2 submissions from 2 submitters: Uncertain significance (2). Last evaluated 2025-01-19.

Conditions:
Charcot-Marie-Tooth disease type 4. Also called: Charcot-Marie-Tooth disease, type IV; Charcot-Marie-Tooth, Type 4. Identifiers: Orphanet 64749, MedGen C4082197, MONDO:0018995.
Inborn genetic diseases. Identifiers: MedGen C0950123, MeSH D030342.

Allele frequency attached by ClinVar (database versions not stated): gnomAD 0.00001.
gnomAD v4.1: 12 of 1,613,988 alleles (0.00074%); highest among the groups gnomAD compares: African/African-American, 0.0013%; no homozygotes.

Submissions (2):

Ambry Genetics
Classification: Uncertain significance for Inborn genetic diseases. Last evaluated: 2025-01-19. Review status: criteria provided, single submitter. Criteria: Ambry Variant Classification Scheme 2023. Collection method: clinical testing. Allele origin: germline.

Labcorp Genetics (formerly Invitae), Labcorp
Classification: Uncertain significance for Charcot-Marie-Tooth disease type 4. Last evaluated: 2022-05-30. Review status: criteria provided, single submitter. Criteria: Invitae Variant Classification Sherloc (09022015). Collection method: clinical testing. Allele origin: germline.
Comment: In summary, the available evidence is currently insufficient to determine the role of this variant in disease. Therefore, it has been classified as a Variant of Uncertain Significance. Advanced modeling of protein sequence and biophysical properties (such as structural, functional, and spatial information, amino acid conservation, physicochemical variation, residue mobility, and thermodynamic stability) performed at Invitae indicates that this missense variant is not expected to disrupt SH3TC2 protein function. This variant has not been reported in the literature in individuals affected with SH3TC2-related conditions. This variant is present in population databases (rs765186236, gnomAD 0.0009%). This sequence change replaces leucine, which is neutral and non-polar, with proline, which is neutral and non-polar, at codon 447 of the SH3TC2 protein (p.Leu447Pro).

NM_024577.4(SH3TC2):c.1340T>C (p.Leu447Pro)

Gene: SH3TC2 (SH3 domain and tetratricopeptide repeats 2; minus strand). Cytogenetic location: 5q32.
Variant type: single nucleotide variant.
Coding change: c.1340T>C on transcript NM_024577.4 (MANE Select); coding-DNA position 1340, T replaced by C.
Protein change: p.Leu447Pro; replaces leucine 447 with proline.
Molecular consequence: missense variant.
Genome position (GRCh38, 1-based): chr5:149,028,392, A>G on the plus strand (T>C on the coding strand, the complement: SH3TC2 is on the minus strand). VCF-style: chr5-149028392-A-G. GRCh37 (hg19) VCF-style: chr5-148407955-A-G.
Other names: short protein forms L447P.
Identifiers: ClinVar variation 2188829 (VCV002188829.5), dbSNP rs765186236, ClinGen allele CA3499192.